The following is an entry in ClinVar:

NM_001130965.3(SUN1):c.1577A>G (p.Gln526Arg)

Gene: SUN1 (Sad1 and UNC84 domain containing 1; plus strand). Cytogenetic location: 7p22.3.
Variant type: single nucleotide variant.
Coding change: c.1577A>G on transcript NM_001130965.3 (MANE Select); coding-DNA position 1577, A replaced by G.
Protein change: p.Gln526Arg; replaces glutamine 526 with arginine.
Molecular consequence: missense variant. On other transcripts: non-coding transcript variant (3).
Genome position (GRCh38, 1-based): chr7:860,180, A>G. VCF-style: chr7-860180-A-G. GRCh37 (hg19) VCF-style: chr7-899817-A-G.
Other names: c.1706A>G, p.Gln569Arg (NM_001367707.1, NM_001367646.1); c.1010A>G, p.Gln337Arg (NM_001367708.1); c.1328A>G, p.Gln443Arg (NM_025154.6); c.1589A>G, p.Gln530Arg (NM_001367702.1, NM_001367704.1); c.1970A>G, p.Gln657Arg (NM_001367703.1, NM_001367705.1); c.1709A>G, p.Gln570Arg (NM_001367706.1, NM_001367673.1); c.1577A>G, p.Gln526Arg (NM_001367653.1, NM_001367633.1, NM_001367634.1); c.1787A>G, p.Gln596Arg (NM_001367655.1, NM_001367700.1); and 43 more; short protein forms Q337R, Q409R, Q541R, Q552R, Q570R, Q590R, Q592R, Q620R.
Identifiers: ClinVar variation 2895185 (VCV002895185.3), dbSNP rs2488090998, ClinGen allele CA366533519.

ClinVar aggregate classification (germline): Uncertain significance (1 of 4 stars; one submission).

Conditions:
Emery-Dreifuss muscular dystrophy (EDMD). Also called: Scapuloperoneal syndrome, X-linked (formerly); Humeroperoneal neuromuscular disease, (formerly). Identifiers: Orphanet 261, MedGen C0410189, MONDO:0016830.

Allele frequency attached by ClinVar (database versions not stated): gnomAD exomes 0.00001.
gnomAD v4.1: 3 of 1,614,248 alleles (0.00019%); highest among the groups gnomAD compares: Middle Eastern, 0.016%; no homozygotes.

Submission:

Labcorp Genetics (formerly Invitae), Labcorp
Classification: Uncertain significance for Emery-Dreifuss muscular dystrophy. Last evaluated: 2023-07-13. Review status: criteria provided, single submitter. Criteria: Invitae Variant Classification Sherloc (09022015). Collection method: clinical testing. Allele origin: germline.
Comment: In summary, the available evidence is currently insufficient to determine the role of this variant in disease. Therefore, it has been classified as a Variant of Uncertain Significance. An algorithm developed to predict the effect of missense changes on protein structure and function (PolyPhen-2) suggests that this variant is likely to be tolerated. This variant has not been reported in the literature in individuals affected with SUN1-related conditions. This variant is not present in population databases (gnomAD no frequency). This sequence change replaces glutamine, which is neutral and polar, with arginine, which is basic and polar, at codon 526 of the SUN1 protein (p.Gln526Arg).